The following is an entry in ClinVar:

NM_006514.4(SCN10A):c.3187G>A (p.Glu1063Lys)

Genes: SCN10A (sodium voltage-gated channel alpha subunit 10; minus strand), LOC110121288 (VISTA enhancer hs2268; plus strand). Cytogenetic location: 3p22.2.
Variant type: single nucleotide variant.
Coding change: c.3187G>A on transcript NM_006514.4 (MANE Select); coding-DNA position 3187, G replaced by A.
Protein change: p.Glu1063Lys; replaces glutamic acid 1063 with lysine.
Molecular consequence: missense variant.
Genome position (GRCh38, 1-based): chr3:38,725,215, C>T on the plus strand (G>A on the coding strand, the complement: SCN10A is on the minus strand). VCF-style: chr3-38725215-C-T. GRCh37 (hg19) VCF-style: chr3-38766706-C-T.
Other names: c.3184G>A, p.Glu1062Lys (NM_001293306.2); c.2893G>A, p.Glu965Lys (NM_001293307.2); short protein forms E1062K, E1063K, E965K.
Identifiers: ClinVar variation 3225644 (VCV003225644.1), dbSNP rs764654987, ClinGen allele CA2320327.

ClinVar aggregate classification (germline): Uncertain significance (1 of 4 stars; one submission).

Conditions:
Cardiovascular phenotype. Identifiers: MedGen CN230736.

Allele frequency attached by ClinVar (database versions not stated): gnomAD exomes below 0.00001; TOPMed below 0.00001; ExAC 0.00001; gnomAD 0.00001.
gnomAD v4.1: 6 of 1,606,808 alleles (0.00037%); highest among the groups gnomAD compares: African/African-American, 0.0027%; no homozygotes.

Submission:

Ambry Genetics
Classification: Uncertain significance for Cardiovascular phenotype. Last evaluated: 2024-01-03. Review status: criteria provided, single submitter. Criteria: Ambry Variant Classification Scheme 2023. Collection method: clinical testing. Allele origin: germline.
Comment: The p.E1063K variant (also known as c.3187G>A), located in coding exon 17 of the SCN10A gene, results from a G to A substitution at nucleotide position 3187. The glutamic acid at codon 1063 is replaced by lysine, an amino acid with similar properties. This amino acid position is not well conserved in available vertebrate species. In addition, this alteration is predicted to be tolerated by in silico analysis. The evidence for this gene-disease relationship is limited; therefore, the clinical significance of this alteration is unclear.